The following is an entry in ClinVar:

ClinVar aggregate classification (germline): Uncertain significance (1 of 4 stars; one submission).

Allele frequency attached by ClinVar (database versions not stated): TOPMed below 0.00001; gnomAD 0.00001.
gnomAD v4.1: 2 of 1,613,756 alleles (0.00012%); highest among the groups gnomAD compares: African/African-American, 0.0013%; no homozygotes.

Submission:

GeneDx
Classification: Uncertain significance. Last evaluated: 2022-12-18. Review status: criteria provided, single submitter. Criteria: GeneDx Variant Classification Process June 2021. Collection method: clinical testing. Allele origin: germline. Affected: yes.
Comment: Not observed at significant frequency in large population cohorts (gnomAD); In silico analysis supports that this missense variant does not alter protein structure/function; Has not been previously published as pathogenic or benign to our knowledge

NM_001080453.3(INTS1):c.1654G>A (p.Gly552Ser)

Gene: INTS1 (integrator complex subunit 1; minus strand). Cytogenetic location: 7p22.3.
Variant type: single nucleotide variant.
Coding change: c.1654G>A on transcript NM_001080453.3 (MANE Select); coding-DNA position 1654, G replaced by A.
Protein change: p.Gly552Ser; replaces glycine 552 with serine.
Molecular consequence: missense variant.
Genome position (GRCh38, 1-based): chr7:1,496,213, C>T on the plus strand (G>A on the coding strand, the complement: INTS1 is on the minus strand). VCF-style: chr7-1496213-C-T. GRCh37 (hg19) VCF-style: chr7-1535849-C-T.
Other names: short protein forms G552S.
Identifiers: ClinVar variation 2505635 (VCV002505635.1), dbSNP rs1287924691, ClinGen allele CA366593574.